The following is an entry in ClinVar:

ClinVar aggregate classification (germline): Uncertain significance (1 of 4 stars; one submission).

Conditions:
POLD1-related polyposis and colorectal cancer syndrome (CRCS10). Also called: Colorectal cancer 10; COLORECTAL CANCER, SUSCEPTIBILITY TO, ON CHROMOSOME 19q; Colorectal cancer, susceptibility to, 10. Identifiers: Orphanet 220460, MedGen C2675481, MONDO:0012953, OMIM 612591.

Submission:

Labcorp Genetics (formerly Invitae), Labcorp
Classification: Uncertain significance for POLD1-related polyposis and colorectal cancer syndrome. Last evaluated: 2022-08-23. Review status: criteria provided, single submitter. Criteria: Invitae Variant Classification Sherloc (09022015). Collection method: clinical testing. Allele origin: germline.
Comment: In summary, the available evidence is currently insufficient to determine the role of this variant in disease. Therefore, it has been classified as a Variant of Uncertain Significance. Algorithms developed to predict the effect of missense changes on protein structure and function (SIFT, PolyPhen-2, Align-GVGD) all suggest that this variant is likely to be tolerated. This variant has not been reported in the literature in individuals affected with POLD1-related conditions. This variant is not present in population databases (gnomAD no frequency). This sequence change replaces asparagine, which is neutral and polar, with lysine, which is basic and polar, at codon 1045 of the POLD1 protein (p.Asn1045Lys).

NM_002691.4(POLD1):c.3135T>A (p.Asn1045Lys)

Gene: POLD1 (DNA polymerase delta 1, catalytic subunit; plus strand). Cytogenetic location: 19q13.33.
Variant type: single nucleotide variant.
Coding change: c.3135T>A on transcript NM_002691.4 (MANE Select); coding-DNA position 3135, T replaced by A.
Protein change: p.Asn1045Lys; replaces asparagine 1045 with lysine.
Molecular consequence: missense variant. On other transcripts: non-coding transcript variant (1).
Genome position (GRCh38, 1-based): chr19:50,417,186, T>A. VCF-style: chr19-50417186-T-A. GRCh37 (hg19) VCF-style: chr19-50920443-T-A.
Other names: c.3135T>A, p.Asn1045Lys (NM_001256849.1); c.3213T>A, p.Asn1071Lys (NM_001308632.1); short protein forms N1045K, N1071K.
Identifiers: ClinVar variation 2119572 (VCV002119572.4), dbSNP rs2122506942, ClinGen allele CA406987285.
Genomic context (GRCh38, chr19:50,417,186, plus strand): 5'-CAGGTGGGGAGGCGGGGGCGCCCTGCTCAGCCGCTGCCGTCCCCAGGTATCCCATCTGAA[T>A]GCCCTGGAGGAGCGCTTCTCGCGCCTCTGGACGCAGTGCCAGCGCTGCCAGGGCAGCCTG-3'
Protein context (NP_002682.2, residues 1035-1055): ELYQKEVSHL[Asn1045Lys]ALEERFSRLW